The following is an entry in ClinVar:

ClinVar aggregate classification (germline): Uncertain significance (1 of 4 stars; one submission).

Allele frequency attached by ClinVar (database versions not stated): gnomAD exomes 0.00001 and 0.00002; ExAC 0.00004; TOPMed 0.00009; gnomAD 0.00010 and 0.00011.
gnomAD v4.1: 24 of 1,612,206 alleles (0.0015%); highest among the groups gnomAD compares: African/African-American, 0.024%; no homozygotes.

Submission:

Labcorp Genetics (formerly Invitae), Labcorp
Classification: Uncertain significance. Last evaluated: 2020-08-17. Review status: criteria provided, single submitter. Criteria: Invitae Variant Classification Sherloc (09022015). Collection method: clinical testing. Allele origin: germline.
Comment: This variant has not been reported in the literature in individuals with MAP3K7-related conditions. This sequence change replaces arginine with cysteine at codon 413 of the MAP3K7 protein (p.Arg413Cys). The arginine residue is moderately conserved and there is a large physicochemical difference between arginine and cysteine. This variant is present in population databases (rs762121500, ExAC 0.04%). Algorithms developed to predict the effect of missense changes on protein structure and function are either unavailable or do not agree on the potential impact of this missense change (SIFT: "Deleterious"; PolyPhen-2: "Benign"; Align-GVGD: "Class C0"). In summary, the available evidence is currently insufficient to determine the role of this variant in disease. Therefore, it has been classified as a Variant of Uncertain Significance.

NM_145331.3(MAP3K7):c.1237C>T (p.Arg413Cys)

Gene: MAP3K7 (mitogen-activated protein kinase kinase kinase 7; minus strand). Cytogenetic location: 6q15.
Variant type: single nucleotide variant.
Coding change: c.1237C>T on transcript NM_145331.3 (MANE Select); coding-DNA position 1237, C replaced by T.
Protein change: p.Arg413Cys; replaces arginine 413 with cysteine.
Molecular consequence: missense variant. On other transcripts: intron variant (2).
Genome position (GRCh38, 1-based): chr6:90,544,606, G>A on the plus strand (C>T on the coding strand, the complement: MAP3K7 is on the minus strand). VCF-style: chr6-90544606-G-A. GRCh37 (hg19) VCF-style: chr6-91254325-G-A.
Other names: c.1237C>T, p.Arg413Cys (NM_145332.3); c.1210+2652C>T (NM_145333.3, NM_003188.4); short protein forms R413C.
Identifiers: ClinVar variation 1046081 (VCV001046081.8), dbSNP rs762121500, ClinGen allele CA3928413.